The following is an entry in ClinVar:

NM_001903.5(CTNNA1):c.2045C>T (p.Ala682Val)

Gene: CTNNA1 (catenin alpha 1; plus strand). Cytogenetic location: 5q31.2.
Variant type: single nucleotide variant.
Coding change: c.2045C>T on transcript NM_001903.5 (MANE Select); coding-DNA position 2045, C replaced by T.
Protein change: p.Ala682Val; replaces alanine 682 with valine.
Molecular consequence: missense variant.
Genome position (GRCh38, 1-based): chr5:138,930,507, C>T. VCF-style: chr5-138930507-C-T. GRCh37 (hg19) VCF-style: chr5-138266196-C-T.
Other names: c.2045C>T, p.Ala682Val (NM_001290307.3, NM_001323982.2, NM_001323983.1 and 2 more transcripts); c.1736C>T, p.Ala579Val (NM_001290309.3); c.1676C>T, p.Ala559Val (NM_001290310.3); c.935C>T, p.Ala312Val (NM_001290312.1, NM_001323987.1, NM_001323998.1 and 17 more transcripts); c.1952C>T, p.Ala651Val (NM_001323986.2); c.596C>T, p.Ala199Val (NM_001324006.1, NM_001324007.1, NM_001324008.1 and 2 more transcripts); c.842C>T, p.Ala281Val (NM_001324011.1); c.692C>T, p.Ala231Val (NM_001324012.1, NM_001324013.1); and 1 more; short protein forms A312V, A651V, A231V, A281V, A199V, A559V, A579V, A682V.
Identifiers: ClinVar variation 1472893 (VCV001472893.13), dbSNP rs1580907907, ClinGen allele CA361133373.

ClinVar aggregate classification (germline): Uncertain significance. Review status: criteria provided, multiple submitters, no conflicts (2 of 4 stars). 3 submissions from 3 submitters: Uncertain significance (3). Last evaluated 2025-11-25.

Conditions:
Hereditary cancer-predisposing syndrome. Also called: Hereditary neoplastic syndrome; Tumor predisposition; Hereditary Cancer Syndrome; Neoplastic Syndromes, Hereditary. Identifiers: Orphanet 140162, MedGen C0027672, MeSH D009386, MONDO:0015356.

Allele frequency attached by ClinVar (database versions not stated): gnomAD exomes below 0.00001.
gnomAD v4.1: 2 of 1,613,588 alleles (0.00012%); highest among the groups gnomAD compares: East Asian, 0.0022%; no homozygotes.

Submissions (4):

Labcorp Genetics (formerly Invitae), Labcorp
Classification: Uncertain significance. Last evaluated: 2025-11-25. Review status: criteria provided, single submitter. Criteria: Invitae Variant Classification Sherloc (09022015). Collection method: clinical testing. Allele origin: germline.
Comment: This sequence change replaces alanine, which is neutral and non-polar, with valine, which is neutral and non-polar, at codon 682 of the CTNNA1 protein (p.Ala682Val). This variant is not present in population databases (gnomAD no frequency). This variant has not been reported in the literature in individuals affected with CTNNA1-related conditions. ClinVar contains an entry for this variant (Variation ID: 1472893). Invitae Evidence Modeling of protein sequence and biophysical properties (such as structural, functional, and spatial information, amino acid conservation, physicochemical variation, residue mobility, and thermodynamic stability) indicates that this missense variant is not expected to disrupt CTNNA1 protein function with a negative predictive value of 80%. In summary, the available evidence is currently insufficient to determine the role of this variant in disease. Therefore, it has been classified as a Variant of Uncertain Significance.

Ambry Genetics
Classification: Uncertain significance for Hereditary cancer-predisposing syndrome. Last evaluated: 2024-07-15. Review status: criteria provided, single submitter. Criteria: Ambry Variant Classification Scheme 2023. Collection method: clinical testing. Allele origin: germline.
Comment: The p.A682V variant (also known as c.2045C>T), located in coding exon 14 of the CTNNA1 gene, results from a C to T substitution at nucleotide position 2045. The alanine at codon 682 is replaced by valine, an amino acid with similar properties. This amino acid position is highly conserved in available vertebrate species. In addition, the in silico prediction for this alteration is inconclusive. The evidence for this gene-disease relationship is limited; therefore, the clinical significance of this alteration is unclear.

GeneDx
Classification: Uncertain significance. Last evaluated: 2023-01-31. Review status: criteria provided, single submitter. Criteria: GeneDx Variant Classification Process June 2021. Collection method: clinical testing. Allele origin: germline. Affected: yes.
Comment: Not observed at significant frequency in large population cohorts (gnomAD); In silico analysis supports that this missense variant does not alter protein structure/function; Has not been previously published as pathogenic or benign to our knowledge

Dr. Peter K. Rogan Lab, Western University
No classification provided (evidence only). Condition: Gastric cancer. Review status: no classification provided. Collection method: in vitro. Allele origin: not applicable. Functional consequence: retained intron. Not counted in ClinVar's aggregate classification.